The following is an entry in ClinVar:

NM_020745.4(AARS2):c.*9C>T

Gene: AARS2 (alanyl-tRNA synthetase 2, mitochondrial; minus strand). Cytogenetic location: 6p21.1.
Variant type: single nucleotide variant.
Coding change: c.*9C>T on transcript NM_020745.4 (MANE Select); 9 bases downstream of the stop codon, C replaced by T.
Molecular consequence: 3 prime UTR variant.
Genome position (GRCh38, 1-based): chr6:44,300,538, G>A on the plus strand (C>T on the coding strand, the complement: AARS2 is on the minus strand). VCF-style: chr6-44300538-G-A. GRCh37 (hg19) VCF-style: chr6-44268275-G-A.
Identifiers: ClinVar variation 357054 (VCV000357054.8), dbSNP rs772455600, ClinGen allele CA3833801.
Genomic context (GRCh38, chr6:44,300,538, plus strand): 5'-GGTTCTGCTGGCTCCTTCAGGGCTCCTGGCATTGCCTTTAGTCCATGTGGGTCCCTGGGC[G>A]GACCTGGGTCAGAGCTGGCTGAGGGCATAGGTTTGGGCTATACTGAGGGCAGCTTCCAGG-3'

ClinVar aggregate classification (germline): Conflicting classifications of pathogenicity. Review status: criteria provided, conflicting classifications (1 of 4 stars). 2 submissions from 2 submitters: Uncertain significance (1); Likely benign (1). Last evaluated 2024-04-09.

Conditions:
Combined oxidative phosphorylation defect type 8. Also called: CARDIOMYOPATHY, HYPERTROPHIC MITOCHONDRIAL, FATAL INFANTILE. Identifiers: Orphanet 319504, MedGen C4518839, MONDO:0013570, OMIM 614096.

Allele frequency attached by ClinVar (database versions not stated): gnomAD 0.00011 and 0.00012; TOPMed 0.00018; ExAC 0.00026; gnomAD exomes 0.00035.
gnomAD v4.1: 283 of 1,613,820 alleles (0.018%); highest among the groups gnomAD compares: East Asian, 0.016%; no homozygotes.

Submissions (2):

GeneDx
Classification: Likely benign. Last evaluated: 2024-04-09. Review status: criteria provided, single submitter. Criteria: GeneDx Variant Classification Process June 2021. Collection method: clinical testing. Allele origin: germline. Affected: yes.
Comment: See Variant Classification Assertion Criteria.

Illumina Laboratory Services, Illumina
Classification: Uncertain significance for Combined oxidative phosphorylation defect type 8. Last evaluated: 2018-01-13. Review status: criteria provided, single submitter. Criteria: ICSL Variant Classification Criteria 13 December 2019. Collection method: clinical testing. Allele origin: germline.